The following is an entry in ClinVar:

ClinVar aggregate classification (germline): Uncertain significance. Review status: criteria provided, multiple submitters, no conflicts (2 of 4 stars). 2 submissions from 2 submitters: Uncertain significance (2). Last evaluated 2026-06-01.

Allele frequency attached by ClinVar (database versions not stated): gnomAD exomes below 0.00001.
gnomAD v4.1: 2 of 1,614,064 alleles (0.00012%); highest among the groups gnomAD compares: Non-Finnish European, 0.000085%; no homozygotes.

Submissions (2):

CeGaT Center for Human Genetics Tuebingen
Classification: Uncertain significance. Last evaluated: 2026-06-01. Review status: criteria provided, single submitter. Criteria: CeGaT Center For Human Genetics Tuebingen Variant Classification Criteria Version 2. Collection method: clinical testing. Allele origin: germline. Affected: yes. Observed: 1 variant allele.
Comment: FLNB: PM2, PP3

Labcorp Genetics (formerly Invitae), Labcorp
Classification: Uncertain significance. Last evaluated: 2022-12-15. Review status: criteria provided, single submitter. Criteria: Invitae Variant Classification Sherloc (09022015). Collection method: clinical testing. Allele origin: germline.
Comment: In summary, the available evidence is currently insufficient to determine the role of this variant in disease. Therefore, it has been classified as a Variant of Uncertain Significance. Advanced modeling of protein sequence and biophysical properties (such as structural, functional, and spatial information, amino acid conservation, physicochemical variation, residue mobility, and thermodynamic stability) performed at Invitae indicates that this missense variant is not expected to disrupt FLNB protein function. This variant has not been reported in the literature in individuals affected with FLNB-related conditions. This variant is present in population databases (no rsID available, gnomAD 0.003%). This sequence change replaces histidine, which is basic and polar, with aspartic acid, which is acidic and polar, at codon 2355 of the FLNB protein (p.His2355Asp).

NM_001457.4(FLNB):c.7063C>G (p.His2355Asp)

Genes: FLNB-AS1 (FLNB antisense RNA 1; minus strand), FLNB (filamin B; plus strand). Cytogenetic location: 3p14.3.
Variant type: single nucleotide variant.
Coding change: c.7063C>G on transcript NM_001457.4 (MANE Select); coding-DNA position 7063, C replaced by G.
Protein change: p.His2355Asp; replaces histidine 2355 with aspartic acid.
Molecular consequence: missense variant. On other transcripts: non-coding transcript variant (1).
Genome position (GRCh38, 1-based): chr3:58,163,195, C>G. VCF-style: chr3-58163195-C-G. GRCh37 (hg19) VCF-style: chr3-58148922-C-G.
Other names: c.7156C>G, p.His2386Asp (NM_001164317.2); c.7030C>G, p.His2344Asp (NM_001164318.2); c.6991C>G, p.His2331Asp (NM_001164319.2); short protein forms H2344D, H2355D, H2386D, H2331D.
Identifiers: ClinVar variation 2821098 (VCV002821098.5), dbSNP rs1187717496, ClinGen allele CA353364406.
Genomic context (GRCh38, chr3:58,163,195, plus strand): 5'-CCTTTGCTCATTCTCCTAGATAAGTATGCTGTTCGCTTCATCCCTCATGAGAATGGTGTC[C>G]ACACCATCGATGTCAAGTTCAATGGGAGCCACGTGGTTGGAAGCCCCTTCAAAGTGCGCG-3'
Protein context (NP_001448.2, residues 2345-2365): VRFIPHENGV[His2355Asp]TIDVKFNGSH